The following is an entry in ClinVar:

NM_024422.6(DSC2):c.133G>A (p.Ala45Thr)

Gene: DSC2 (desmocollin 2; minus strand). Cytogenetic location: 18q12.1.
Variant type: single nucleotide variant.
Coding change: c.133G>A on transcript NM_024422.6 (MANE Select); coding-DNA position 133, G replaced by A.
Protein change: p.Ala45Thr; replaces alanine 45 with threonine.
Molecular consequence: missense variant.
Genome position (GRCh38, 1-based): chr18:31,093,580, C>T on the plus strand (G>A on the coding strand, the complement: DSC2 is on the minus strand). VCF-style: chr18-31093580-C-T. GRCh37 (hg19) VCF-style: chr18-28673543-C-T.
Other names: c.133G>A, p.Ala45Thr (NM_004949.5); short protein forms A45T.
Identifiers: ClinVar variation 921132 (VCV000921132.23), dbSNP rs1467311353, ClinGen allele CA402115052.

ClinVar aggregate classification (germline): Conflicting classifications of pathogenicity. Review status: criteria provided, conflicting classifications (1 of 4 stars). 6 submissions from 6 submitters: Uncertain significance (5); Likely benign (1). Last evaluated 2025-08-01.

Conditions:
Cardiomyopathy (CMYO). Also called: Cardiomyopathies. Identifiers: Orphanet 167848, MedGen C0878544, MONDO:0004994, HP:0001638. Inheritance: Various modes of inheritance.
Arrhythmogenic right ventricular dysplasia 11. Also called: Arrhythmogenic Right Ventricular Dysplasia/Cardiomyopathy11; Arrhythmogenic right ventricular dysplasia 11 with mild palmoplantar keratoderma and woolly hair; ARRHYTHMOGENIC RIGHT VENTRICULAR DYSPLASIA, FAMILIAL, 11. Identifiers: MedGen C1864850, MONDO:0012506, OMIM 610476.
Cardiovascular phenotype. Identifiers: MedGen CN230736.
Familial isolated arrhythmogenic right ventricular dysplasia. Identifiers: Orphanet 217656, MedGen C4274968, MONDO:0016342.

Allele frequency attached by ClinVar (database versions not stated): gnomAD 0.00001; gnomAD exomes 0.00001; TOPMed 0.00001.
gnomAD v4.1: 12 of 1,605,564 alleles (0.00075%); highest among the groups gnomAD compares: Middle Eastern, 0.017%; no homozygotes.

Submissions (6):

CeGaT Center for Human Genetics Tuebingen
Classification: Likely benign. Last evaluated: 2025-08-01. Review status: criteria provided, single submitter. Criteria: CeGaT Center For Human Genetics Tuebingen Variant Classification Criteria Version 2. Collection method: clinical testing. Allele origin: germline. Affected: yes. Observed: 1 variant allele.
Comment: DSC2: BP4

Color Diagnostics, LLC DBA Color Health
Classification: Uncertain significance for Cardiomyopathy. Last evaluated: 2025-07-10. Review status: criteria provided, single submitter. Criteria: ACMG Guidelines, 2015. Collection method: clinical testing. Allele origin: germline.
Comment: This missense variant replaces alanine with threonine at codon 45 of the DSC2 protein. Computational prediction suggests that this variant may not impact protein structure and function. To our knowledge, functional studies have not been reported for this variant. This variant has been reported in an individual affected with cardiomyopathy and recurrent syncope (PMID: 25576714). This variant has not been identified in the general population by the Genome Aggregation Database (gnomAD). The available evidence is insufficient to determine the role of this variant in disease conclusively. Therefore, this variant is classified as a Variant of Uncertain Significance.

All of Us Research Program, National Institutes of Health
Classification: Uncertain significance for Familial isolated arrhythmogenic right ventricular dysplasia. Last evaluated: 2024-09-23. Review status: criteria provided, single submitter. Criteria: ACMG Guidelines, 2015. Collection method: clinical testing. Allele origin: germline. Inheritance: Autosomal dominant inheritance. Observed: 5 variant alleles, 5 heterozygotes.
Comment: This missense variant replaces alanine with threonine at codon 45 of the DSC2 protein. Computational prediction suggests that this variant may not impact protein structure and function (internally defined REVEL score threshold <= 0.5, PMID: 27666373). To our knowledge, functional studies have not been reported for this variant. This variant has been reported in an individual affected with cardiomyopathy and recurrent syncopes (PMID: 25576714). This variant has not been identified in the general population by the Genome Aggregation Database (gnomAD). The available evidence is insufficient to determine the role of this variant in disease conclusively. Therefore, this variant is classified as a Variant of Uncertain Significance.

This study involves interpretation of variants in research participants for the purpose of population health screening. Participant phenotype was not available at the time of variant classification. Additional details can be found in publication PMID: 35346344, PMCID: PMC8962531

Labcorp Genetics (formerly Invitae), Labcorp
Classification: Uncertain significance for Arrhythmogenic right ventricular dysplasia 11. Last evaluated: 2024-03-18. Review status: criteria provided, single submitter. Criteria: Invitae Variant Classification Sherloc (09022015). Collection method: clinical testing. Allele origin: germline.
Comment: This sequence change replaces alanine, which is neutral and non-polar, with threonine, which is neutral and polar, at codon 45 of the DSC2 protein (p.Ala45Thr). This variant is not present in population databases (gnomAD no frequency). This missense change has been observed in individual(s) with hypertrophic cardiomyopathy (PMID: 25576714). ClinVar contains an entry for this variant (Variation ID: 921132). Advanced modeling of protein sequence and biophysical properties (such as structural, functional, and spatial information, amino acid conservation, physicochemical variation, residue mobility, and thermodynamic stability) performed at Invitae indicates that this missense variant is expected to disrupt DSC2 protein function with a positive predictive value of 80%. In summary, the available evidence is currently insufficient to determine the role of this variant in disease. Therefore, it has been classified as a Variant of Uncertain Significance.

Ambry Genetics
Classification: Uncertain significance for Cardiovascular phenotype. Last evaluated: 2022-08-09. Review status: criteria provided, single submitter. Criteria: Ambry Variant Classification Scheme 2023. Collection method: clinical testing. Allele origin: germline.
Comment: The p.A45T variant (also known as c.133G>A), located in coding exon 2 of the DSC2 gene, results from a G to A substitution at nucleotide position 133. The alanine at codon 45 is replaced by threonine, an amino acid with similar properties. This variant co-occurred with variants in the TTN gene in an individual reported to have recurrent syncope, slight left ventricular hypertrophy, and apical hypokinesia (Peters S. Int J Cardiol, 2015 Mar;182:29-30). This amino acid position is highly conserved in available vertebrate species. In addition, this alteration is predicted to be tolerated by in silico analysis. Since supporting evidence is limited at this time, the clinical significance of this alteration remains unclear.

Fulgent Genetics
Classification: Uncertain significance for Arrhythmogenic right ventricular dysplasia 11. Last evaluated: 2022-04-28. Review status: criteria provided, single submitter. Criteria: ACMG Guidelines, 2015. Collection method: clinical testing. Allele origin: unknown.

Literature cited by the submitters: PubMed 25576714 (cited by 4 submitters).